The following is an entry in ClinVar:

ClinVar aggregate classification (germline): Uncertain significance (1 of 4 stars; one submission).

Conditions:
Muscular dystrophy-dystroglycanopathy (congenital with brain and eye anomalies), type a, 8 (MDDGA8). Also called: WALKER-WARBURG SYNDROME OR MUSCLE-EYE-BRAIN DISEASE, GTDC2-RELATED. Identifiers: Orphanet 899, MedGen C3553813, MONDO:0013904, OMIM 614830.

Submission:

Labcorp Genetics (formerly Invitae), Labcorp
Classification: Uncertain significance for Muscular dystrophy-dystroglycanopathy (congenital with brain and eye anomalies), type a, 8. Last evaluated: 2022-06-20. Review status: criteria provided, single submitter. Criteria: Invitae Variant Classification Sherloc (09022015). Collection method: clinical testing. Allele origin: germline.
Comment: This sequence change replaces arginine, which is basic and polar, with glycine, which is neutral and non-polar, at codon 438 of the POMGNT2 protein (p.Arg438Gly). This variant is present in population databases (rs758077352, gnomAD 0.006%). This variant has not been reported in the literature in individuals affected with POMGNT2-related conditions. ClinVar contains an entry for this variant (Variation ID: 1011899). Algorithms developed to predict the effect of missense changes on protein structure and function are either unavailable or do not agree on the potential impact of this missense change (SIFT: "Deleterious"; PolyPhen-2: "Probably Damaging"; Align-GVGD: "Class C0"). In summary, the available evidence is currently insufficient to determine the role of this variant in disease. Therefore, it has been classified as a Variant of Uncertain Significance.

NM_032806.6(POMGNT2):c.1312C>G (p.Arg438Gly)

Gene: POMGNT2 (protein O-linked mannose N-acetylglucosaminyltransferase 2 (beta 1,4-); minus strand). Cytogenetic location: 3p22.1.
Variant type: single nucleotide variant.
Coding change: c.1312C>G on transcript NM_032806.6 (MANE Select); coding-DNA position 1312, C replaced by G.
Protein change: p.Arg438Gly; replaces arginine 438 with glycine.
Molecular consequence: missense variant.
Genome position (GRCh38, 1-based): chr3:43,080,120, G>C on the plus strand (C>G on the coding strand, the complement: POMGNT2 is on the minus strand). VCF-style: chr3-43080120-G-C. GRCh37 (hg19) VCF-style: chr3-43121612-G-C.
Other names: short protein forms R438G.
Identifiers: ClinVar variation 1011899 (VCV001011899.5), dbSNP rs758077352, ClinGen allele CA2339879.